The following is an entry in ClinVar:

NM_015047.3(EMC1):c.778C>G (p.Pro260Ala)

Genes: EMC1 (ER membrane protein complex subunit 1; minus strand), EMC1-AS1 (EMC1 antisense RNA 1; plus strand). Cytogenetic location: 1p36.13.
Variant type: single nucleotide variant.
Coding change: c.778C>G on transcript NM_015047.3 (MANE Select); coding-DNA position 778, C replaced by G.
Protein change: p.Pro260Ala; replaces proline 260 with alanine.
Molecular consequence: missense variant. On other transcripts: non-coding transcript variant (1).
Genome position (GRCh38, 1-based): chr1:19,240,305, G>C on the plus strand (C>G on the coding strand, the complement: EMC1 is on the minus strand). VCF-style: chr1-19240305-G-C. GRCh37 (hg19) VCF-style: chr1-19566799-G-C.
Other names: c.778C>G, p.Pro260Ala (NM_001271427.2, NM_001271428.2, NM_001375820.1 and 1 more transcripts); c.712C>G, p.Pro238Ala (NM_001271429.2); short protein forms P238A, P260A.
Identifiers: ClinVar variation 3620926 (VCV003620926.2).

ClinVar aggregate classification (germline): Uncertain significance (1 of 4 stars; one submission).

gnomAD v4.1: 16 of 1,614,164 alleles (0.00099%); highest among the groups gnomAD compares: East Asian, 0.0089%; no homozygotes.

Submission:

Labcorp Genetics (formerly Invitae), Labcorp
Classification: Uncertain significance. Last evaluated: 2024-07-31. Review status: criteria provided, single submitter. Criteria: Invitae Variant Classification Sherloc (09022015). Collection method: clinical testing. Allele origin: germline.
Comment: This sequence change replaces proline, which is neutral and non-polar, with alanine, which is neutral and non-polar, at codon 260 of the EMC1 protein (p.Pro260Ala). This variant is present in population databases (no rsID available, gnomAD 0.02%). This variant has not been reported in the literature in individuals affected with EMC1-related conditions. Advanced modeling of protein sequence and biophysical properties (such as structural, functional, and spatial information, amino acid conservation, physicochemical variation, residue mobility, and thermodynamic stability) performed at Invitae indicates that this missense variant is not expected to disrupt EMC1 protein function with a negative predictive value of 80%. In summary, the available evidence is currently insufficient to determine the role of this variant in disease. Therefore, it has been classified as a Variant of Uncertain Significance.